The following is an entry in ClinVar:

NM_000814.6(GABRB3):c.713G>C (p.Arg238Pro)

Gene: GABRB3 (gamma-aminobutyric acid type A receptor subunit beta3; minus strand). Cytogenetic location: 15q12.
Variant type: single nucleotide variant.
Coding change: c.713G>C on transcript NM_000814.6 (MANE Select); coding-DNA position 713, G replaced by C.
Protein change: p.Arg238Pro; replaces arginine 238 with proline.
Molecular consequence: missense variant.
Genome position (GRCh38, 1-based): chr15:26,567,703, C>G on the plus strand (G>C on the coding strand, the complement: GABRB3 is on the minus strand). VCF-style: chr15-26567703-C-G. GRCh37 (hg19) VCF-style: chr15-26812850-C-G.
Other names: c.458G>C, p.Arg153Pro (NM_001191320.2, NM_001278631.2); c.500G>C, p.Arg167Pro (NM_001191321.3); c.713G>C, p.Arg238Pro (NM_021912.5); short protein forms R153P, R167P, R238P.
Identifiers: ClinVar variation 5017349 (VCV005017349.1).

ClinVar aggregate classification (germline): Uncertain significance (1 of 4 stars; one submission).

Submission:

GeneDx
Classification: Uncertain significance. Last evaluated: 2026-03-23. Review status: criteria provided, single submitter. Criteria: GeneDx Variant Classification Process June 2021. Collection method: clinical testing. Allele origin: germline.
Comment: Not observed at significant frequency in large population cohorts (gnomAD); In silico analysis supports that this missense variant has a deleterious effect on protein structure/function; Has not been previously published as pathogenic or benign to our knowledge